The following is an entry in ClinVar:

NM_003001.5(SDHC):c.420A>G (p.Gly140=)

Gene: SDHC (succinate dehydrogenase complex subunit C; plus strand). Cytogenetic location: 1q23.3.
Variant type: single nucleotide variant.
Coding change: c.420A>G on transcript NM_003001.5 (MANE Select); coding-DNA position 420, A replaced by G.
Protein change: p.Gly140=; no amino-acid change (glycine 140 retained).
Molecular consequence: synonymous variant. On other transcripts: missense variant (3), non-coding transcript variant (1).
Genome position (GRCh38, 1-based): chr1:161,362,343, A>G. VCF-style: chr1-161362343-A-G. GRCh37 (hg19) VCF-style: chr1-161332133-A-G.
Other names: c.256A>G, p.Lys86Glu (NM_001035511.3); c.318A>G, p.Gly106= (NM_001035512.3); c.261A>G, p.Gly87= (NM_001035513.3); c.154A>G, p.Lys52Glu (NM_001278172.3); c.540A>G, p.Gly180= (NM_001407115.1); c.363A>G, p.Gly121= (NM_001407116.1); c.357A>G, p.Gly119= (NM_001407117.1); c.312A>G, p.Gly104= (NM_001407118.1); and 3 more; short protein forms K86E, K52E, K67E.
Identifiers: ClinVar variation 198154 (VCV000198154.22), dbSNP rs794727791, ClinGen allele CA011462.

ClinVar aggregate classification (germline): Conflicting classifications of pathogenicity. Review status: criteria provided, conflicting classifications (1 of 4 stars). 7 submissions from 7 submitters: Uncertain significance (1); Benign (1); Likely benign (4). 1 of the submissions does not count toward it. Last evaluated 2025-09-14.

Conditions:
SDHC-related disorder. Also called: SDHC-related condition.
Hereditary pheochromocytoma and paraganglioma. Also called: Hereditary Paraganglioma-Pheochromocytoma Syndromes; Hereditary paragangliomas and pheochromocytomas; Hereditary pheochromocytoma-paraganglioma. Identifiers: Orphanet 29072, MedGen C4274332, MONDO:0017366.
Hereditary cancer-predisposing syndrome. Also called: Tumor predisposition; Hereditary Cancer Syndrome; Hereditary neoplastic syndrome; Neoplastic Syndromes, Hereditary. Identifiers: Orphanet 140162, MedGen C0027672, MeSH D009386, MONDO:0015356.
Pheochromocytoma/paraganglioma syndrome 3. Also called: GLOMUS TUMORS, FAMILIAL, 3; SDHC-Related Hereditary Paraganglioma-Pheochromocytoma Syndrome (Paragangliomas 3); SDHC-Related Hereditary Paraganglioma-Pheochromocytoma Syndrome; Paragangliomas 3. Identifiers: Orphanet 29072, MedGen C1854336, MONDO:0011544, OMIM 605373.
Gastrointestinal stromal tumor. Also called: Gastrointestinal stromal tumor, somatic; Gastrointestinal stroma tumor. Identifiers: Orphanet 44890, MedGen C0238198, MeSH D046152, MONDO:0011719, OMIM 606764, HP:0100723.

Allele frequency attached by ClinVar (database versions not stated): TOPMed 0.00001; gnomAD 0.00001; gnomAD exomes 0.00001.
gnomAD v4.1: 11 of 1,612,642 alleles (0.00068%); highest among the groups gnomAD compares: Non-Finnish European, 0.00085%; no homozygotes.

Submissions (7):

Labcorp Genetics (formerly Invitae), Labcorp
Classification: Likely benign for Pheochromocytoma/paraganglioma syndrome 3; Gastrointestinal stromal tumor. Last evaluated: 2025-09-14. Review status: criteria provided, single submitter. Criteria: Invitae Variant Classification Sherloc (09022015). Collection method: clinical testing. Allele origin: germline.

Myriad Genetics, Inc.
Classification: Benign for Pheochromocytoma/paraganglioma syndrome 3. Last evaluated: 2025-03-17. Review status: criteria provided, single submitter. Criteria: Myriad Autosomal Dominant, Autosomal Recessive and X-Linked Classification Criteria (2023). Collection method: clinical testing. Allele origin: unknown.
Comment: This variant is considered benign. This variant is a silent/synonymous amino acid change and it is not expected to impact splicing.

All of Us Research Program, National Institutes of Health
Classification: Likely benign for Hereditary pheochromocytoma and paraganglioma. Last evaluated: 2023-08-15. Review status: criteria provided, single submitter. Criteria: ACMG Guidelines, 2015. Collection method: clinical testing. Allele origin: germline. Inheritance: Autosomal dominant inheritance. Observed: 3 variant alleles, 3 heterozygotes.
Comment: This study involves interpretation of variants in research participants for the purpose of population health screening. Participant phenotype was not available at the time of variant classification. Additional details can be found in publication PMID: 35346344, PMCID: PMC8962531

Ambry Genetics
Classification: Likely benign for Hereditary cancer-predisposing syndrome. Last evaluated: 2020-03-02. Review status: criteria provided, single submitter. Criteria: Ambry Variant Classification Scheme 2023. Collection method: clinical testing. Allele origin: germline.

GeneDx
Classification: Likely benign. Last evaluated: 2016-02-09. Review status: criteria provided, single submitter. Criteria: GeneDx Variant Classification (06012015). Collection method: clinical testing. Allele origin: germline. Affected: yes.
Comment: This variant is considered likely benign or benign based on one or more of the following criteria: it is a conservative change, it occurs at a poorly conserved position in the protein, it is predicted to be benign by multiple in silico algorithms, and/or has population frequency not consistent with disease.

Eurofins Ntd Llc (ga)
Classification: Uncertain significance. Last evaluated: 2014-11-23. Review status: criteria provided, single submitter. Criteria: EGL Classification Definitions 2015. Collection method: clinical testing. Allele origin: germline. Observed: 1 variant allele, 1 heterozygote.

PreventionGenetics, part of Exact Sciences
Classification: Likely benign for SDHC-related condition. Last evaluated: 2020-06-05. Review status: no assertion criteria provided. Collection method: clinical testing. Allele origin: germline. Not counted in ClinVar's aggregate classification.
Comment: This variant is classified as likely benign based on ACMG/AMP sequence variant interpretation guidelines (Richards et al. 2015 PMID: 25741868, with internal and published modifications).